The following is an entry in ClinVar:

NM_006915.3(RP2):c.805G>T (p.Glu269Ter)

Gene: RP2 (RP2 activator of ARL3 GTPase; plus strand). Cytogenetic location: Xp11.3.
Variant type: single nucleotide variant.
Coding change: c.805G>T on transcript NM_006915.3 (MANE Select); coding-DNA position 805, G replaced by T.
Protein change: p.Glu269Ter; replaces glutamic acid 269 with a stop codon.
Molecular consequence: nonsense.
Genome position (GRCh38, 1-based): chrX:46,860,024, G>T. VCF-style: chrX-46860024-G-T. GRCh37 (hg19) VCF-style: chrX-46719459-G-T.
Other names: short protein forms E269*.
Identifiers: ClinVar variation 4293200 (VCV004293200.1).
Genomic context (GRCh38, chrX:46,860,024, plus strand): 5'-CTCAATGAAATTTTATTTTCACAGATGGTTGGTAAAGGCTTTTTCCTAGTTCAGACAAAG[G>T]AAGTGTCCATGAAAGCTGAGGATGCTCAAAGGGTTTTTCGGGAAAAAGCACCTGACTTCC-3'

ClinVar aggregate classification (germline): Likely pathogenic (1 of 4 stars; one submission).

Conditions:
Retinitis pigmentosa 2 (RP2). Also called: Retinitis pigmentosa 2, X linked. Identifiers: Orphanet 791, MedGen C2681923, MONDO:0010723, OMIM 312600.

Submission:

3billion
Classification: Likely pathogenic for Retinitis pigmentosa 2. Last evaluated: 2024-09-06. Review status: criteria provided, single submitter. Criteria: ACMG Guidelines, 2015. Collection method: clinical testing. Allele origin: germline. Affected: yes.
Comment: The variant is not observed in the gnomAD v4.0.0 dataset. Predicted Consequence/Location: Stop-gained (nonsense): predicted to result in a loss or disruption of normal protein function through nonsense-mediated decay (NMD) or protein truncation. Multiple pathogenic variants are reported downstream of the variant. Therefore, this variant is classified as Likely pathogenic according to the recommendation of ACMG/AMP guideline.